The following is an entry in ClinVar:

ClinVar aggregate classification (germline): Likely pathogenic. Review status: criteria provided, single submitter (1 of 4 stars). 2 submissions from 2 submitters: Likely pathogenic (1). 1 of the submissions does not count toward it. Last evaluated 2025-06-02.

Conditions:
Hereditary cancer-predisposing syndrome. Also called: Neoplastic Syndromes, Hereditary; Hereditary Cancer Syndrome; Tumor predisposition; Hereditary neoplastic syndrome. Identifiers: Orphanet 140162, MedGen C0027672, MeSH D009386, MONDO:0015356.
Von Hippel-Lindau syndrome (VHLS). Also called: Von Hippel-Lindau; von Hippel–Lindau syndrome; VHL syndrome. Identifiers: Orphanet 892, MedGen C0019562, MONDO:0008667, OMIM 193300. Disease mechanism: loss of function.

Submissions (2):

Ambry Genetics
Classification: Likely pathogenic for Hereditary cancer-predisposing syndrome. Last evaluated: 2025-06-02. Review status: criteria provided, single submitter. Criteria: Ambry Variant Classification Scheme 2023. Collection method: clinical testing. Allele origin: germline.
Comment: The c.-77_-32del46 variant is located in the 5' untranslated region (5'UTR) of the VHL gene. This variant results from a deletion of 46 nucleotides at positions c.-77 to c.-32. This variant was reported in individuals with features consistent with von Hippel-Lindau syndrome (Albanyan S et al. Eur J Med Genet, 2019 Mar;62:177-181). This variant deletes a region of the VHL promoter that is predicted to be critical for VHL transcription and protein expression (Zatyka M et al. J Med Genet, 2002 Jul;39:463-72). Other variants impacting the same region have been identified in individuals with features consistent with von Hippel-Lindau syndrome (Ambry internal data). Based on the majority of available evidence to date, this variant is likely to be pathogenic.

PreventionGenetics, part of Exact Sciences
Classification: Uncertain significance for Von Hippel-Lindau syndrome. Last evaluated: 2017-08-24. Review status: no assertion criteria provided. Collection method: clinical testing. Allele origin: de novo. Not counted in ClinVar's aggregate classification.

Literature cited by the submitters: PubMed 12114475 (cited by Ambry Genetics); PubMed 30006056 (cited by Ambry Genetics).

NM_000551.3(VHL):c.-77_-32del

Gene: VHL (von Hippel-Lindau tumor suppressor; plus strand). Cytogenetic location: 3p25.3.
Variant type: Deletion.
Coding change: c.-77_-32del on transcript NM_000551.3; 77 bases upstream of the start codon through 32 bases upstream of the start codon, 46 bases deleted.
Genome position (GRCh38, 1-based): chr3:10,141,771-10,141,816, 46 bases deleted; deleting any 46 consecutive bases within chr3:10,141,770-10,141,816 gives the same sequence; the c. name uses the placement nearest the transcript's 3' end. GRCh37 (hg19): chr3:10,183,455-10,183,500.
Other names: c.-77_-32del46 (NM_000551.3).
Identifiers: ClinVar variation 433541 (VCV000433541.6), dbSNP rs1553619239, ClinGen allele CA645372717.
Genomic context (GRCh38, chr3:10,141,769, plus strand): 5'-TCCGCGAGCGCGTTCCATCCTCTACCGAGCGCGCGCGAAGACTACGGAGGTCGACTCGGG[AGCGCGCACGCAGCTCCGCCCCGCGTCCGACCCGCGGATCCCGCGGC>A]GTCCGGCCCGGGTGGTCTGGATCGCGGAGGGAATGCCCCGGAGGGCGGAGAACTGGGACG-3'